The following is an entry in ClinVar:

ClinVar aggregate classification (germline): Uncertain significance. Review status: criteria provided, multiple submitters, no conflicts (2 of 4 stars). 2 submissions from 2 submitters: Uncertain significance (2). Last evaluated 2025-11-06.

Conditions:
Mitochondrial complex II deficiency, nuclear type 1. Also called: SUCCINATE CoQ REDUCTASE DEFICIENCY. Identifiers: Orphanet 3208, MedGen C5700310, MONDO:0100294, OMIM 252011.
Pheochromocytoma/paraganglioma syndrome 5. Also called: Paragangliomas 5; SDHA-Related Hereditary Paraganglioma-Pheochromocytoma Syndrome. Identifiers: Orphanet 29072, MedGen C3279992, MONDO:0013602, OMIM 614165.
Hereditary cancer-predisposing syndrome. Also called: Neoplastic Syndromes, Hereditary; Hereditary Cancer Syndrome; Hereditary neoplastic syndrome; Tumor predisposition. Identifiers: Orphanet 140162, MedGen C0027672, MeSH D009386, MONDO:0015356.

Allele frequency attached by ClinVar (database versions not stated): gnomAD exomes below 0.00001.
gnomAD v4.1: 4 of 1,614,074 alleles (0.00025%); highest among the groups gnomAD compares: Non-Finnish European, 0.00034%; no homozygotes.

Submissions (2):

Ambry Genetics
Classification: Uncertain significance for Hereditary cancer-predisposing syndrome. Last evaluated: 2025-11-06. Review status: criteria provided, single submitter. Criteria: Ambry Variant Classification Scheme 2023. Collection method: clinical testing. Allele origin: germline.
Comment: The p.M347T variant (also known as c.1040T>C), located in coding exon 8 of the SDHA gene, results from a T to C substitution at nucleotide position 1040. The methionine at codon 347 is replaced by threonine, an amino acid with similar properties. This amino acid position is conserved. In addition, this alteration is predicted to be deleterious by in silico analysis. Since supporting evidence is limited at this time, the clinical significance of this alteration remains unclear.

Labcorp Genetics (formerly Invitae), Labcorp
Classification: Uncertain significance for Pheochromocytoma/paraganglioma syndrome 5; Mitochondrial complex II deficiency, nuclear type 1. Last evaluated: 2020-11-19. Review status: criteria provided, single submitter. Criteria: Invitae Variant Classification Sherloc (09022015). Collection method: clinical testing. Allele origin: germline.
Comment: This sequence change replaces methionine with threonine at codon 347 of the SDHA protein (p.Met347Thr). The methionine residue is highly conserved and there is a moderate physicochemical difference between methionine and threonine. This variant is not present in population databases (ExAC no frequency) and has not been reported in the literature in individuals with an SDHA-related disease. Algorithms developed to predict the effect of missense changes on protein structure and function (SIFT, PolyPhen-2, Align-GVGD) all suggest that this variant is likely to be disruptive, but these predictions have not been confirmed by published functional studies. In summary, this variant is a novel missense change with uncertain impact on protein function. It has been classified as a Variant of Uncertain Significance.

NM_004168.4(SDHA):c.1040T>C (p.Met347Thr)

Gene: SDHA (succinate dehydrogenase complex flavoprotein subunit A; plus strand). Cytogenetic location: 5p15.33.
Variant type: single nucleotide variant.
Coding change: c.1040T>C on transcript NM_004168.4 (MANE Select); coding-DNA position 1040, T replaced by C.
Protein change: p.Met347Thr; replaces methionine 347 with threonine.
Molecular consequence: missense variant.
Genome position (GRCh38, 1-based): chr5:233,621, T>C. VCF-style: chr5-233621-T-C. GRCh37 (hg19) VCF-style: chr5-233736-T-C.
Other names: c.896T>C, p.Met299Thr (NM_001294332.2); c.1040T>C, p.Met347Thr (NM_001330758.2); short protein forms M347T, M299T.
Identifiers: ClinVar variation 472296 (VCV000472296.11), dbSNP rs1553999054, ClinGen allele CA359012947.